The following is an entry in ClinVar:

NM_001394319.2(SDR42E2):c.56-284G>A

Gene: SDR42E2 (short chain dehydrogenase/reductase family 42E, member 2). Cytogenetic location: 16p12.2.
Variant type: single nucleotide variant.
Coding change: c.56-284G>A on transcript NM_001394319.2 (MANE Select); 284 bases into the intron before coding-DNA position 56, G replaced by A.
Molecular consequence: intron variant. On other transcripts: synonymous variant (1).
Genome position (GRCh38, 1-based): chr16:22,165,966, G>A. VCF-style: chr16-22165966-G-A. GRCh37 (hg19) VCF-style: chr16-22177287-G-A.
Other names: c.384G>A, p.Gly128= (NM_001365288.2).
Identifiers: ClinVar variation 4083956 (VCV004083956.8).
Genomic context (GRCh38, chr16:22,165,966, plus strand): 5'-GTCCGTACCTGGGCCAGGAGCTGGGTCCGTACCTGGGCCAGGAGCTGGGTCCGTACCTGG[G>A]CCAGGAGCTGGGTCTGTACCTGGACCAGGAGCTGGGTCGGGACCTGGTCTAGGAGGTGGG-3'

ClinVar aggregate classification (germline): Likely benign (1 of 4 stars; one submission).

gnomAD v4.1: 6 of 146,064 alleles (0.0041%); highest among the groups gnomAD compares: African/African-American, 0.013%; no homozygotes.

Submission:

CeGaT Center for Human Genetics Tuebingen
Classification: Likely benign. Last evaluated: 2025-06-01. Review status: criteria provided, single submitter. Criteria: CeGaT Center For Human Genetics Tuebingen Variant Classification Criteria Version 2. Collection method: clinical testing. Allele origin: germline. Affected: yes. Observed: 1 variant allele.
Comment: SDR42E2: BP4, BP7